The following is an entry in ClinVar:

ClinVar aggregate classification (germline): Likely pathogenic (1 of 4 stars; one submission).

Conditions:
Primary ciliary dyskinesia. Also called: Ciliary dyskinesia. Identifiers: Orphanet 244, MedGen C0008780, MONDO:0016575, HP:0012265.

Submission:

Labcorp Genetics (formerly Invitae), Labcorp
Classification: Likely pathogenic for Primary ciliary dyskinesia. Last evaluated: 2025-02-16. Review status: criteria provided, single submitter. Criteria: Invitae Variant Classification Sherloc (09022015). Collection method: clinical testing. Allele origin: germline.
Comment: This sequence change affects a donor splice site in intron 30 of the DNAH11 gene. It is expected to disrupt RNA splicing. Variants that disrupt the donor or acceptor splice site typically lead to a loss of protein function (PMID: 16199547), and loss-of-function variants in DNAH11 are known to be pathogenic (PMID: 18022865, 20513915, 22184204). This variant is not present in population databases (gnomAD no frequency). This variant has not been reported in the literature in individuals affected with DNAH11-related conditions. Algorithms developed to predict the effect of sequence changes on RNA splicing suggest that this variant may disrupt the consensus splice site. In summary, the currently available evidence indicates that the variant is pathogenic, but additional data are needed to prove that conclusively. Therefore, this variant has been classified as Likely Pathogenic.

Literature cited by the submitters: PubMed 16199547; PubMed 18022865; PubMed 20513915; PubMed 22184204.

NM_001277115.2(DNAH11):c.5328+1G>A

Gene: DNAH11 (dynein axonemal heavy chain 11; plus strand). Cytogenetic location: 7p15.3.
Variant type: single nucleotide variant.
Coding change: c.5328+1G>A on transcript NM_001277115.2 (MANE Select); the canonical splice donor site of the intron after coding-DNA position 5328, G replaced by A.
Molecular consequence: splice donor variant.
Genome position (GRCh38, 1-based): chr7:21,659,032, G>A. VCF-style: chr7-21659032-G-A. GRCh37 (hg19) VCF-style: chr7-21698650-G-A.
Identifiers: ClinVar variation 4743712 (VCV004743712.1).
Genomic context (GRCh38, chr7:21,659,032, plus strand): 5'-GCCTTCAGTAGACTGGAAGAAGGCTACGAAACAGCCCTGAAGGATTTCCATAAAAAACAG[G>A]TATTACATAGATTTGTGATTTTGAGACATAAAGGAACTTCAAGATGTAAGCTTGCTTCAT-3'